The following is an entry in ClinVar:

NM_004320.6(ATP2A1):c.594_601delinsTTCCTG (p.Ala199_Asn201delinsSerTer)

Gene: ATP2A1 (ATPase sarcoplasmic/endoplasmic reticulum Ca2+ transporting 1; plus strand). Cytogenetic location: 16p11.2.
Variant type: Indel.
Coding change: c.594_601delinsTTCCTG on transcript NM_004320.6 (MANE Select); coding-DNA positions 594 to 601, AGCTGTCA replaced by TTCCTG.
Protein change: p.Ala199_Asn201delinsSerTer.
Molecular consequence: nonsense.
Genome position (GRCh38, 1-based): chr16:28,887,238-28,887,245, AGCTGTCA replaced by TTCCTG. VCF-style: chr16-28887238-AGCTGTCA-TTCCTG. GRCh37 (hg19) VCF-style: chr16-28898559-AGCTGTCA-TTCCTG.
Other names: c.219_226delinsTTCCTG, p.Ala74_Asn76delinsSerTer (NM_001286075.2); c.594_601delinsTTCCTG, p.Ala199_Asn201delinsSerTer (NM_173201.5).
Identifiers: ClinVar variation 4796586 (VCV004796586.1).

ClinVar aggregate classification (germline): Likely pathogenic (1 of 4 stars; one submission).

Conditions:
Brody myopathy. Also called: BRODY DISEASE. Identifiers: Orphanet 53347, MedGen C1832918, MONDO:0010977, OMIM 601003.

Submission:

Juno Genomics, Hangzhou Juno Genomics, Inc
Classification: Likely pathogenic for Brody myopathy. Review status: criteria provided, single submitter. Criteria: ACMG Guidelines, 2015. Collection method: clinical testing. Allele origin: germline. Affected: yes.
Comment: Absent from controls (or at extremely low frequency if recessive) in Genome Aggregation Database, Exome Sequencing Project, 1000 Genomes Project, or Exome Aggregation Consortium.;Null variant in a gene where loss of function (LOF) is a known mechanism of disease.